The following is an entry in ClinVar:

ClinVar aggregate classification (germline): Pathogenic. Review status: criteria provided, multiple submitters, no conflicts (2 of 4 stars). 3 submissions from 3 submitters: Pathogenic (2). 1 of the submissions does not count toward it. Last evaluated 2022-11-02.

Conditions:
Pulmonary arterial hypertension. Identifiers: Orphanet 182090, MedGen C2973725, MeSH D000081029, MONDO:0015924, HP:0002092.
Pulmonary hypertension, primary, 5. Also called: Pulmonary hypertension, primary, autosomal recessive. Identifiers: Orphanet 422, MedGen C5676877, MONDO:0009935, OMIM 265400.

Allele frequency attached by ClinVar (database versions not stated): gnomAD exomes 0.00001.

Submissions (3):

Johns Hopkins Genomics, Johns Hopkins University
Classification: Pathogenic for Pulmonary hypertension, primary, 5. Last evaluated: 2022-11-02. Review status: criteria provided, single submitter. Criteria: ACMG Guidelines, 2015. Collection method: clinical testing. Allele origin: germline.

Wendy Chung Laboratory, Boston Children's Hospital
Classification: Pathogenic for Pulmonary arterial hypertension. Last evaluated: 2021-08-04. Review status: criteria provided, single submitter. Criteria: ACMG Guidelines, 2015. Collection method: clinical testing. Allele origin: paternal. Affected: yes. Observed: 4 variant alleles, 2 heterozygotes, 2 compound heterozygotes.
Comment: variant identified via re-analysis of sequencing data

OMIM
Classification: Pathogenic for PULMONARY HYPERTENSION, PRIMARY, 5. Last evaluated: 2022-08-29. Review status: no assertion criteria provided. Collection method: literature only. Allele origin: germline. Not counted in ClinVar's aggregate classification.

Literature cited by the submitters: PubMed 31727138 (cited by Johns Hopkins Genomics, Johns Hopkins University); PubMed 34493544 (cited by 3 submitters).

NM_001367549.1(ATP13A3):c.2549dup (p.Met850fs)

Gene: ATP13A3 (ATPase 13A3; minus strand). Cytogenetic location: 3q29.
Variant type: Duplication.
Coding change: c.2549dup on transcript NM_001367549.1 (MANE Select); coding-DNA position 2549, one base duplicated (T; older notation c.2549dupT).
Protein change: p.Met850fs; shifts the reading frame from methionine 850.
Molecular consequence: frameshift variant. On other transcripts: non-coding transcript variant (2).
Genome position (GRCh38, 1-based): chr3:194,431,018, A duplicated on the plus strand (T on the coding strand, the reverse complement: ATP13A3 is on the minus strand). VCF-style (leftmost placement, unchanged base first): chr3-194431017-C-CA. GRCh37 (hg19) VCF-style: chr3-194151746-C-CA.
Other names: c.2468dup, p.Met823fs (NM_001374836.1); c.2549dup, p.Met850fs (NM_024524.4); c.2549dupT (NM_001367549.1); short protein forms M823fs, M850fs.
Identifiers: ClinVar variation 1195990 (VCV001195990.6), dbSNP rs1560082927, ClinGen allele CA549254936.